The following is an entry in ClinVar:

ClinVar aggregate classification (germline): Uncertain significance (1 of 4 stars; one submission).

Conditions:
Spinocerebellar ataxia type 38. Identifiers: Orphanet 423296, MedGen C4518337, MONDO:0014417, OMIM 615957.

Allele frequency attached by ClinVar (database versions not stated): gnomAD 0.00003; TOPMed 0.00006.
gnomAD v4.1: 33 of 1,535,600 alleles (0.0021%); highest among the groups gnomAD compares: Non-Finnish European, 0.0028%; no homozygotes.

Submission:

Victorian Clinical Genetics Services, Murdoch Childrens Research Institute
Classification: Uncertain significance for Spinocerebellar ataxia type 38. Last evaluated: 2019-08-28. Review status: criteria provided, single submitter. Criteria: ACMG Guidelines, 2015. Collection method: clinical testing. Allele origin: germline. Inheritance: Autosomal dominant inheritance. Affected: yes.
Comment: A heterozygous missense variant was identified, NM_001242828.1(ELOVL5):c.272C>G in exon 4 of 9 of the ELOVL5 gene (NB: This variant is non-coding in alternative transcripts, including the predominant in ClinVar NM_021814.5). This substitution is predicted to create a major amino acid change from serine to cysteine at position 91 of the protein, NP_001229757.1(ELOVL5):p.(Ser91Cys). The serine at this position has low conservation (100 vertebrates, UCSC), but is located within the ELO superfamily domain. In silico software predicts this variant to be benign (Polyphen, SIFT, CADD, Mutation Taster). The variant is present in the gnomAD population database at a frequency of 0.00078% (1 heterozygotes). The variant has not been previously reported in a clinical testing setting. Based on information available at the time of curation, this variant has been classified as a VARIANT of UNCERTAIN SIGNIFICANCE (VUS) with LOW CLINICAL RELEVANCE.

NM_021814.5(ELOVL5):c.246+3859C>G

Gene: ELOVL5 (ELOVL fatty acid elongase 5; minus strand). Cytogenetic location: 6p12.1.
Variant type: single nucleotide variant.
Coding change: c.246+3859C>G on transcript NM_021814.5 (MANE Select); 3859 bases into the intron after coding-DNA position 246, C replaced by G.
Molecular consequence: intron variant. On other transcripts: missense variant (1).
Genome position (GRCh38, 1-based): chr6:53,287,917, G>C on the plus strand (C>G on the coding strand, the complement: ELOVL5 is on the minus strand). VCF-style: chr6-53287917-G-C. GRCh37 (hg19) VCF-style: chr6-53152715-G-C.
Other names: c.272C>G, p.Ser91Cys (NM_001242828.2); c.246+3859C>G (NM_001242830.2, NM_001301856.2); short protein forms S91C.
Identifiers: ClinVar variation 1806222 (VCV001806222.1), dbSNP rs1005834650, ClinGen allele CA139056414.
Genomic context (GRCh38, chr6:53,287,917, plus strand): 5'-CTGACCCTGTTTTCTGGCAGCTGCTGCTGAGTCGAAGGATCAGTTCGTGAGGCACAGGCA[G>C]ATCGACGGGGTTGCTCCCTTTTGGACTGTAACAAACACAATTAGATCCTCTCTGCTTAGG-3'